The following is an entry in ClinVar:

NM_006267.5(RANBP2):c.5675C>T (p.Pro1892Leu)

Gene: RANBP2 (RAN binding protein 2; plus strand). Cytogenetic location: 2q13.
Variant type: single nucleotide variant.
Coding change: c.5675C>T on transcript NM_006267.5 (MANE Select); coding-DNA position 5675, C replaced by T.
Protein change: p.Pro1892Leu; replaces proline 1892 with leucine.
Molecular consequence: missense variant.
Genome position (GRCh38, 1-based): chr2:108,766,214, C>T. VCF-style: chr2-108766214-C-T. GRCh37 (hg19) VCF-style: chr2-109382670-C-T.
Other names: short protein forms P1892L.
Identifiers: ClinVar variation 840615 (VCV000840615.12), dbSNP rs1677107728, ClinGen allele CA348073593.

ClinVar aggregate classification (germline): Uncertain significance. Review status: criteria provided, multiple submitters, no conflicts (2 of 4 stars). 3 submissions from 3 submitters: Uncertain significance (3). Last evaluated 2025-05-15.

Conditions:
Familial acute necrotizing encephalopathy (IIAE3). Also called: ENCEPHALOPATHY, ACUTE, INFECTION-INDUCED, SUSCEPTIBILITY TO, 3; Susceptibility to Acute Necrotizing Encephalopathy 1. Identifiers: Orphanet 88619, MedGen C2675556, MONDO:0011953, OMIM 608033.

Allele frequency attached by ClinVar (database versions not stated): gnomAD exomes below 0.00001.
gnomAD v4.1: 3 of 1,612,178 alleles (0.00019%); highest among the groups gnomAD compares: Non-Finnish European, 0.00025%; no homozygotes.

Submissions (3):

Ambry Genetics
Classification: Uncertain significance. Last evaluated: 2025-05-15. Review status: criteria provided, single submitter. Criteria: Ambry Variant Classification Scheme 2023. Collection method: clinical testing. Allele origin: germline.

Blueprint Genetics
Classification: Uncertain significance. Last evaluated: 2021-08-06. Review status: criteria provided, single submitter. Criteria: ACMG Guidelines, 2015. Collection method: clinical testing. Allele origin: germline.

Labcorp Genetics (formerly Invitae), Labcorp
Classification: Uncertain significance for Familial acute necrotizing encephalopathy. Last evaluated: 2019-01-31. Review status: criteria provided, single submitter. Criteria: Invitae Variant Classification Sherloc (09022015). Collection method: clinical testing. Allele origin: germline.
Comment: In summary, the available evidence is currently insufficient to determine the role of this variant in disease. Therefore, it has been classified as a Variant of Uncertain Significance. Algorithms developed to predict the effect of missense changes on protein structure and function are either unavailable or do not agree on the potential impact of this missense change (SIFT: "Deleterious"; PolyPhen-2: "Benign"; Align-GVGD: "Class C65"). This variant has not been reported in the literature in individuals with RANBP2-related conditions. This variant is not present in population databases (ExAC no frequency). This sequence change replaces proline with leucine at codon 1892 of the RANBP2 protein (p.Pro1892Leu). The proline residue is highly conserved and there is a moderate physicochemical difference between proline and leucine.